The following is an entry in ClinVar:

ClinVar aggregate classification (germline): Conflicting classifications of pathogenicity. Review status: criteria provided, conflicting classifications (1 of 4 stars). 3 submissions from 1 submitter: Uncertain significance (1); Benign (2). Last evaluated 2018-01-13.

Conditions:
Fatal infantile hypertonic myofibrillar myopathy (MFM2B). Also called: MYOPATHY, MYOFIBRILLAR, 2B, INFANTILE-ONSET; MFM, FATAL INFANTILE HYPERTONIC, ALPHA-B CRYSTALLIN-RELATED. Identifiers: Orphanet 280553, MedGen C5190691, MONDO:0013472, OMIM 613869.
Myofibrillar myopathy 2. Also called: MYOPATHY, DESMIN-RELATED, ASSOCIATED WITH MUTATION IN THE CRYAB GENE; MYOPATHY, MYOFIBRILLAR, ALPHA-B CRYSTALLIN-RELATED; MYOPATHY, MYOFIBRILLAR, WITH OR WITHOUT CATARACT AND/OR CARDIOMYOPATHY; MYOPATHY, MYOFIBRILLAR, 2A, ADULT-ONSET. Identifiers: Orphanet 280553, Orphanet 399058, MedGen C1837317, MONDO:0012130.
Cataract 16 multiple types. Also called: CATARACT 16, POSTERIOR POLAR; CATARACT 16, CONGENITAL LAMELLAR; CATARACT, CONGENITAL LAMELLAR. Identifiers: Orphanet 91492, Orphanet 98992, Orphanet 98993, Orphanet 98995, MedGen C3808377, MONDO:0013411, OMIM 613763.

Allele frequency attached by ClinVar (database versions not stated): TOPMed below 0.00001.
gnomAD v4.1: 10 of 1,605,868 alleles (0.00062%); highest among the groups gnomAD compares: East Asian, 0.016%; no homozygotes.

Submissions (3):

Illumina Laboratory Services, Illumina
Classification: Benign. Last evaluated: 2018-01-13. Review status: criteria provided, single submitter. Criteria: ICSL Variant Classification Criteria 13 December 2019. Collection method: clinical testing. Allele origin: germline.
Comment: This variant was observed in the ICSL laboratory as part of a predisposition screen in an ostensibly healthy population. It had not been previously curated by ICSL or reported in the Human Gene Mutation Database (HGMD: prior to June 1st, 2018), and was therefore a candidate for classification through an automated scoring system. Utilizing variant allele frequency, disease prevalence and penetrance estimates, and inheritance mode, an automated score was calculated to assess if this variant is too frequent to cause the disease. Based on the score and internal cut-off values, a variant classified as benign is not then subjected to further curation. The score for this variant resulted in a classification of benign for this disease.

Illumina Laboratory Services, Illumina
Classification: Benign for Cataract 16 multiple types. Last evaluated: 2018-01-13. Review status: criteria provided, single submitter. Criteria: ICSL Variant Classification Criteria 13 December 2019. Collection method: clinical testing. Allele origin: germline.
Comment: the same text as in the submission from Illumina Laboratory Services, Illumina above.

Illumina Laboratory Services, Illumina
Classification: Uncertain significance for Fatal infantile hypertonic myofibrillar myopathy. Last evaluated: 2018-01-13. Review status: criteria provided, single submitter. Criteria: ICSL Variant Classification Criteria 13 December 2019. Collection method: clinical testing. Allele origin: germline.

NM_001289808.2(CRYAB):c.*38G>C

Gene: CRYAB (crystallin alpha B; minus strand). Cytogenetic location: 11q23.1.
Variant type: single nucleotide variant.
Coding change: c.*38G>C on transcript NM_001289808.2 (MANE Select); 38 bases downstream of the stop codon, G replaced by C.
Molecular consequence: 3 prime UTR variant.
Genome position (GRCh38, 1-based): chr11:111,908,726, C>G on the plus strand (G>C on the coding strand, the complement: CRYAB is on the minus strand). VCF-style: chr11-111908726-C-G. GRCh37 (hg19) VCF-style: chr11-111779450-C-G.
Other names: c.*38G>C (NM_001289807.1, NM_001330379.1, NM_001368245.1 and 2 more transcripts).
Identifiers: ClinVar variation 302430 (VCV000302430.5), dbSNP rs781853968, ClinGen allele CA6275441.